The following is an entry in ClinVar:

NM_001127208.3(TET2):c.4824T>G (p.Tyr1608Ter)

Genes: TET2 (tet methylcytosine dioxygenase 2; plus strand), TET2-AS1 (TET2 antisense RNA 1; minus strand). Cytogenetic location: 4q24.
Variant type: single nucleotide variant.
Coding change: c.4824T>G on transcript NM_001127208.3 (MANE Select); coding-DNA position 4824, T replaced by G.
Protein change: p.Tyr1608Ter; replaces tyrosine 1608 with a stop codon.
Molecular consequence: nonsense.
Genome position (GRCh38, 1-based): chr4:105,275,334, T>G. VCF-style: chr4-105275334-T-G. GRCh37 (hg19) VCF-style: chr4-106196491-T-G.
Other names: short protein forms Y1608*.
Identifiers: ClinVar variation 4769470 (VCV004769470.1).

ClinVar aggregate classification (germline): Uncertain significance (1 of 4 stars; one submission).

gnomAD v4.1: 1 of 1,551,878 alleles (0.000064%); no homozygotes.

Submission:

Labcorp Genetics (formerly Invitae), Labcorp
Classification: Uncertain significance. Last evaluated: 2025-11-04. Review status: criteria provided, single submitter. Criteria: Invitae Variant Classification Sherloc (09022015). Collection method: clinical testing. Allele origin: germline.
Comment: This sequence change creates a premature translational stop signal (p.Tyr1608*) in the TET2 gene. While this is not anticipated to result in nonsense mediated decay, it is expected to disrupt the last 395 amino acid(s) of the TET2 protein. This variant is not present in population databases (gnomAD no frequency). This variant has not been reported in the literature in individuals affected with TET2-related conditions. Experimental studies and prediction algorithms are not available or were not evaluated, and the functional significance of this variant is currently unknown. In summary, the available evidence is currently insufficient to determine the role of this variant in disease. Therefore, it has been classified as a Variant of Uncertain Significance.